The following is an entry in ClinVar:

NM_001903.5(CTNNA1):c.589-13T>C

Gene: CTNNA1 (catenin alpha 1; plus strand). Cytogenetic location: 5q31.2.
Variant type: single nucleotide variant.
Coding change: c.589-13T>C on transcript NM_001903.5 (MANE Select); 13 bases into the intron before coding-DNA position 589, T replaced by C.
Molecular consequence: intron variant.
Genome position (GRCh38, 1-based): chr5:138,824,517, T>C. VCF-style: chr5-138824517-T-C. GRCh37 (hg19) VCF-style: chr5-138160206-T-C.
Other names: c.589-13T>C (NM_001323982.2, NM_001323984.2, NM_001290307.3 and 3 more transcripts); c.220-13T>C (NM_001290310.3); c.280-13T>C (NM_001290309.3).
Identifiers: ClinVar variation 2088395 (VCV002088395.5), dbSNP rs751135876, ClinGen allele CA3431502.

ClinVar aggregate classification (germline): Likely benign. Review status: criteria provided, multiple submitters, no conflicts (2 of 4 stars). 2 submissions from 2 submitters: Likely benign (2). Last evaluated 2025-12-18.

Conditions:
Hereditary diffuse gastric adenocarcinoma (HDGC). Also called: DIFFUSE GASTRIC AND LOBULAR BREAST CANCER SYNDROME. Identifiers: Orphanet 26106, MedGen C1708349, MONDO:0007648, OMIM 137215.

Allele frequency attached by ClinVar (database versions not stated): ExAC 0.00001; gnomAD exomes 0.00001; TOPMed 0.00001.
gnomAD v4.1: 3 of 1,608,048 alleles (0.00019%); highest among the groups gnomAD compares: Admixed American, 0.0033%; no homozygotes.

Submissions (2):

Labcorp Genetics (formerly Invitae), Labcorp
Classification: Likely benign. Last evaluated: 2025-12-18. Review status: criteria provided, single submitter. Criteria: Invitae Variant Classification Sherloc (09022015). Collection method: clinical testing. Allele origin: germline.

Myriad Genetics, Inc.
Classification: Likely benign for Hereditary diffuse gastric adenocarcinoma. Last evaluated: 2024-10-10. Review status: criteria provided, single submitter. Criteria: Myriad Autosomal Dominant, Autosomal Recessive and X-Linked Classification Criteria (2023). Collection method: clinical testing. Allele origin: unknown.
Comment: This variant is considered likely benign. This variant is intronic and is not expected to impact mRNA splicing.